The following is an entry in ClinVar:

NM_005245.4(FAT1):c.12257+10T>A

Gene: FAT1 (FAT atypical cadherin 1; minus strand). Cytogenetic location: 4q35.2.
Variant type: single nucleotide variant.
Coding change: c.12257+10T>A on transcript NM_005245.4 (MANE Select); 10 bases into the intron after coding-DNA position 12257, T replaced by A.
Molecular consequence: intron variant.
Genome position (GRCh38, 1-based): chr4:186,597,962, A>T on the plus strand (T>A on the coding strand, the complement: FAT1 is on the minus strand). VCF-style: chr4-186597962-A-T. GRCh37 (hg19) VCF-style: chr4-187519116-A-T.
Other names: p.?.
Identifiers: ClinVar variation 717845 (VCV000717845.14), dbSNP rs77814178, ClinGen allele CA3164891.
Genomic context (GRCh38, chr4:186,597,962, plus strand): 5'-ACATGTACCATTATATGTTTAAGAATTTTATACTACAATTGATTATGAAAGTTAAGAAAA[A>T]TACACATACCTCTGACCAGTATATAATCCTCTACACTGGCAAACAAAGCCTCCGTTGTCG-3'

ClinVar aggregate classification (germline): Benign/Likely benign. Review status: criteria provided, multiple submitters, no conflicts (2 of 4 stars). 3 submissions from 3 submitters: Benign (2); Likely benign (1). Last evaluated 2026-01-24.

Allele frequency attached by ClinVar (database versions not stated): gnomAD 0.00827 and 0.00878; ESP Exome Variant Server 0.00936; TOPMed 0.00946; 1000 Genomes Project 0.01018; 1000 Genomes Project 30x 0.01187.
gnomAD v4.1: 2,427 of 1,592,712 alleles (0.15%); highest among the groups gnomAD compares: African/African-American, 2.8%; 34 homozygotes.

Submissions (3):

Labcorp Genetics (formerly Invitae), Labcorp
Classification: Benign. Last evaluated: 2026-01-24. Review status: criteria provided, single submitter. Criteria: Invitae Variant Classification Sherloc (09022015). Collection method: clinical testing. Allele origin: germline.

Mayo Clinic Laboratories, Mayo Clinic
Classification: Benign. Last evaluated: 2023-08-14. Review status: criteria provided, single submitter. Criteria: ACMG Guidelines, 2015. Collection method: clinical testing. Allele origin: germline. Observed: 6 variant alleles.
Comment: BS1, BS2, BP4, BP7

GeneDx
Classification: Likely benign. Last evaluated: 2018-11-11. Review status: criteria provided, single submitter. Criteria: GeneDx Variant Classification Process June 2021. Collection method: clinical testing. Allele origin: germline. Affected: yes.